The following is an entry in ClinVar:

ClinVar aggregate classification (germline): Conflicting classifications of pathogenicity. Review status: criteria provided, conflicting classifications (1 of 4 stars). 3 submissions from 3 submitters: Uncertain significance (1); Likely benign (2). Last evaluated 2026-01-22.

Conditions:
Acute infantile liver failure due to synthesis defect of mtDNA-encoded proteins. Also called: TRMU Deficiency; LIVER FAILURE, INFANTILE, TRANSIENT; Liver failure acute infantile. Identifiers: Orphanet 217371, MedGen C3278664, MONDO:0013111, OMIM 613070.

Allele frequency attached by ClinVar (database versions not stated): gnomAD 0.00003 and 0.00004; gnomAD exomes 0.00003 and 0.00009; ExAC 0.00007; TOPMed 0.00009; 1000 Genomes Project 30x 0.00016; 1000 Genomes Project 0.00020.
gnomAD v4.1: 52 of 1,612,188 alleles (0.0032%); highest among the groups gnomAD compares: East Asian, 0.045%; no homozygotes.

Submissions (3):

Labcorp Genetics (formerly Invitae), Labcorp
Classification: Likely benign. Last evaluated: 2026-01-22. Review status: criteria provided, single submitter. Criteria: Invitae Variant Classification Sherloc (09022015). Collection method: clinical testing. Allele origin: germline.

Illumina Laboratory Services, Illumina
Classification: Uncertain significance for Acute infantile liver failure due to synthesis defect of mtDNA-encoded proteins. Last evaluated: 2018-01-12. Review status: criteria provided, single submitter. Criteria: ICSL Variant Classification Criteria 13 December 2019. Collection method: clinical testing. Allele origin: germline.

GeneDx
Classification: Likely benign. Last evaluated: 2016-07-19. Review status: criteria provided, single submitter. Criteria: GeneDx Variant Classification (06012015). Collection method: clinical testing. Allele origin: germline. Affected: yes.
Comment: This variant is considered likely benign or benign based on one or more of the following criteria: it is a conservative change, it occurs at a poorly conserved position in the protein, it is predicted to be benign by multiple in silico algorithms, and/or has population frequency not consistent with disease.

NM_018006.5(TRMU):c.873+12G>A

Gene: TRMU (tRNA mitochondrial 2-thiouridylase; plus strand). Cytogenetic location: 22q13.31.
Variant type: single nucleotide variant.
Coding change: c.873+12G>A on transcript NM_018006.5 (MANE Select); 12 bases into the intron after coding-DNA position 873, G replaced by A.
Molecular consequence: intron variant.
Genome position (GRCh38, 1-based): chr22:46,353,879, G>A. VCF-style: chr22-46353879-G-A. GRCh37 (hg19) VCF-style: chr22-46749776-G-A.
Other names: c.873+12G>A (NM_001282785.2); c.531+12G>A (NM_001282782.2); c.453+12G>A (NM_001282783.2, NM_001282784.2).
Identifiers: ClinVar variation 378762 (VCV000378762.9), dbSNP rs540183174, ClinGen allele CA10292266.